The following is an entry in ClinVar:

ClinVar aggregate classification (germline): Uncertain significance (1 of 4 stars; one submission).

Conditions:
Cardiovascular phenotype. Identifiers: MedGen CN230736.

Submission:

Ambry Genetics
Classification: Uncertain significance for Cardiovascular phenotype. Last evaluated: 2023-11-17. Review status: criteria provided, single submitter. Criteria: Ambry Variant Classification Scheme 2023. Collection method: clinical testing. Allele origin: germline.
Comment: The p.S130P variant (also known as c.388T>C), located in coding exon 4 of the SPRED1 gene, results from a T to C substitution at nucleotide position 388. The serine at codon 130 is replaced by proline, an amino acid with similar properties. This amino acid position is conserved. In addition, this alteration is predicted to be tolerated by in silico analysis. Since supporting evidence is limited at this time, the clinical significance of this alteration remains unclear.

NM_152594.3(SPRED1):c.388T>C (p.Ser130Pro)

Gene: SPRED1 (sprouty related EVH1 domain containing 1; plus strand). Cytogenetic location: 15q14.
Variant type: single nucleotide variant.
Coding change: c.388T>C on transcript NM_152594.3 (MANE Select); coding-DNA position 388, T replaced by C.
Protein change: p.Ser130Pro; replaces serine 130 with proline.
Molecular consequence: missense variant.
Genome position (GRCh38, 1-based): chr15:38,324,774, T>C. VCF-style: chr15-38324774-T-C. GRCh37 (hg19) VCF-style: chr15-38616975-T-C.
Other names: short protein forms S130P.
Identifiers: ClinVar variation 3229269 (VCV003229269.1), dbSNP rs149883080, ClinGen allele CA269290624.